The following is an entry in ClinVar:

NM_001083116.3(PRF1):c.1211C>T (p.Thr404Ile)

Gene: PRF1 (perforin 1; minus strand). Cytogenetic location: 10q22.1.
Variant type: single nucleotide variant.
Coding change: c.1211C>T on transcript NM_001083116.3 (MANE Select); coding-DNA position 1211, C replaced by T.
Protein change: p.Thr404Ile; replaces threonine 404 with isoleucine.
Molecular consequence: missense variant.
Genome position (GRCh38, 1-based): chr10:70,598,510, G>A on the plus strand (C>T on the coding strand, the complement: PRF1 is on the minus strand). VCF-style: chr10-70598510-G-A. GRCh37 (hg19) VCF-style: chr10-72358266-G-A.
Other names: c.1211C>T, p.Thr404Ile (NM_005041.6); short protein forms T404I.
Identifiers: ClinVar variation 1432704 (VCV001432704.3), dbSNP rs779956870, ClinGen allele CA5538793.

ClinVar aggregate classification (germline): Uncertain significance (1 of 4 stars; one submission).

Conditions:
Familial hemophagocytic lymphohistiocytosis 2 (FHL2). Also called: PRF1-Related Familial Hemophagocytic Lymphohistiocytosis (PRF1-fHLH). Identifiers: Orphanet 540, MedGen C1863727, MONDO:0011337, OMIM 603553.

Allele frequency attached by ClinVar (database versions not stated): gnomAD 0.00001; TOPMed 0.00003.
gnomAD v4.1: 19 of 1,613,460 alleles (0.0012%); highest among the groups gnomAD compares: Non-Finnish European, 0.0015%; no homozygotes.

Submission:

Labcorp Genetics (formerly Invitae), Labcorp
Classification: Uncertain significance for Familial hemophagocytic lymphohistiocytosis 2. Last evaluated: 2022-08-16. Review status: criteria provided, single submitter. Criteria: Invitae Variant Classification Sherloc (09022015). Collection method: clinical testing. Allele origin: germline.
Comment: This sequence change replaces threonine, which is neutral and polar, with isoleucine, which is neutral and non-polar, at codon 404 of the PRF1 protein (p.Thr404Ile). The frequency data for this variant in the population databases is considered unreliable, as metrics indicate poor data quality at this position in the gnomAD database. This variant has not been reported in the literature in individuals affected with PRF1-related conditions. ClinVar contains an entry for this variant (Variation ID: 1432704). Algorithms developed to predict the effect of missense changes on protein structure and function (SIFT, PolyPhen-2, Align-GVGD) all suggest that this variant is likely to be tolerated. In summary, the available evidence is currently insufficient to determine the role of this variant in disease. Therefore, it has been classified as a Variant of Uncertain Significance.